The following is an entry in ClinVar:

ClinVar aggregate classification (germline): Uncertain significance. Review status: criteria provided, multiple submitters, no conflicts (2 of 4 stars). 2 submissions from 2 submitters: Uncertain significance (2). Last evaluated 2023-11-30.

Conditions:
Sulfite oxidase deficiency. Also called: Isolated sulfite oxidase deficiency. Identifiers: Orphanet 833, Orphanet 99731, MedGen C0268624, MONDO:0010089, OMIM 272300, HP:0003643.

Submissions (2):

Blueprint Genetics
Classification: Uncertain significance. Last evaluated: 2023-11-30. Review status: criteria provided, single submitter. Criteria: ACMG Guidelines, 2015. Collection method: clinical testing. Allele origin: germline.

Labcorp Genetics (formerly Invitae), Labcorp
Classification: Uncertain significance for Sulfite oxidase deficiency. Last evaluated: 2020-06-09. Review status: criteria provided, single submitter. Criteria: Invitae Variant Classification Sherloc (09022015). Collection method: clinical testing. Allele origin: germline.
Comment: This variant is not present in population databases (ExAC no frequency). This sequence change replaces leucine with proline at codon 528 of the SUOX protein (p.Leu528Pro). The leucine residue is highly conserved and there is a moderate physicochemical difference between leucine and proline. This variant has not been reported in the literature in individuals with SUOX-related conditions. In summary, the available evidence is currently insufficient to determine the role of this variant in disease. Therefore, it has been classified as a Variant of Uncertain Significance. Algorithms developed to predict the effect of missense changes on protein structure and function are either unavailable or do not agree on the potential impact of this missense change (SIFT: "Deleterious"; PolyPhen-2: "Probably Damaging"; Align-GVGD: "Class C0").

NM_001032386.2(SUOX):c.1583T>C (p.Leu528Pro)

Gene: SUOX (sulfite oxidase; plus strand). Cytogenetic location: 12q13.2.
Variant type: single nucleotide variant.
Coding change: c.1583T>C on transcript NM_001032386.2 (MANE Select); coding-DNA position 1583, T replaced by C.
Protein change: p.Leu528Pro; replaces leucine 528 with proline.
Molecular consequence: missense variant.
Genome position (GRCh38, 1-based): chr12:56,004,972, T>C. VCF-style: chr12-56004972-T-C. GRCh37 (hg19) VCF-style: chr12-56398756-T-C.
Other names: c.1583T>C, p.Leu528Pro (NM_000456.3, NM_001032387.2); short protein forms L528P.
Identifiers: ClinVar variation 1042771 (VCV001042771.10), dbSNP rs1890692405, ClinGen allele CA385298671.